The following is an entry in ClinVar:

ClinVar aggregate classification (germline): Likely pathogenic (1 of 4 stars; one submission).

Conditions:
Bardet-Biedl syndrome 5 (BBS5). Identifiers: Orphanet 110, MedGen C3892039, MONDO:0014434, OMIM 615983.

Submission:

DNA-diagnostics Laboratory, Research Centre For Medical Genetics
Classification: Likely pathogenic for Bardet-Biedl syndrome 5. Review status: criteria provided, single submitter. Criteria: ACMG Guidelines, 2015. Collection method: clinical testing. Allele origin: germline. Inheritance: Autosomal recessive inheritance. Affected: yes. Observed: 1 homozygote.
Comment: Patients also has foot polydactyly and obesity. This sequence change creates a premature translational stop signal (p.Gly27Glufs*8) in the BBS5 gene. Loss-of-function variants in BBS5 are known to be pathogenic (PMID: 15137946, 26325687, 28041643, 29806606).This variant is not present in population databases (gnomAD no frequency). For these reasons, this variant has been classified as likely pathogenic.

Literature cited by the submitters: PubMed 15137946; PubMed 26325687; PubMed 28041643; PubMed 29806606.

NM_152384.3(BBS5):c.80del (p.Gly27fs)

Gene: BBS5 (Bardet-Biedl syndrome 5; plus strand). Cytogenetic location: 2q31.1.
Variant type: Deletion.
Coding change: c.80del on transcript NM_152384.3 (MANE Select); coding-DNA position 80, one base deleted (G; older notation c.80delG).
Protein change: p.Gly27fs; shifts the reading frame from glycine 27.
Molecular consequence: frameshift variant.
Genome position (GRCh38, 1-based): chr2:169,482,271, G deleted; the last of 2 consecutive G bases (chr2:169,482,270-169,482,271); deleting either gives the same sequence. VCF-style (leftmost placement, unchanged base first): chr2-169482269-TG-T. GRCh37 (hg19) VCF-style: chr2-170338779-TG-T.
Other names: short protein forms G27fs.
Identifiers: ClinVar variation 4075370 (VCV004075370.1).